The following is an entry in ClinVar:

NM_007259.5(VPS45):c.457G>A (p.Ala153Thr)

Gene: VPS45 (vacuolar protein sorting 45 homolog; plus strand). Cytogenetic location: 1q21.2.
Variant type: single nucleotide variant.
Coding change: c.457G>A on transcript NM_007259.5 (MANE Select); coding-DNA position 457, G replaced by A.
Protein change: p.Ala153Thr; replaces alanine 153 with threonine.
Molecular consequence: missense variant. On other transcripts: intron variant (1).
Genome position (GRCh38, 1-based): chr1:150,077,112, G>A. VCF-style: chr1-150077112-G-A. GRCh37 (hg19) VCF-style: chr1-150049190-G-A.
Other names: c.349G>A, p.Ala117Thr (NM_001279354.2); c.262-557G>A (NM_001279353.2); short protein forms A153T, A117T.
Identifiers: ClinVar variation 1441445 (VCV001441445.3), dbSNP rs781964646, ClinGen allele CA30020230.

ClinVar aggregate classification (germline): Uncertain significance (1 of 4 stars; one submission).

Conditions:
Congenital neutropenia-myelofibrosis-nephromegaly syndrome. Also called: Severe congenital neutropenia 5, autosomal recessive. Identifiers: Orphanet 369852, MedGen C3809031, MONDO:0014118, OMIM 615285.

Allele frequency attached by ClinVar (database versions not stated): gnomAD 0.00001 and 0.00003; gnomAD exomes 0.00001; TOPMed 0.00003.

Submission:

Labcorp Genetics (formerly Invitae), Labcorp
Classification: Uncertain significance for Congenital neutropenia-myelofibrosis-nephromegaly syndrome. Last evaluated: 2022-06-05. Review status: criteria provided, single submitter. Criteria: Invitae Variant Classification Sherloc (09022015). Collection method: clinical testing. Allele origin: germline.
Comment: This sequence change replaces alanine, which is neutral and non-polar, with threonine, which is neutral and polar, at codon 153 of the VPS45 protein (p.Ala153Thr). This variant is present in population databases (rs781964646, gnomAD 0.003%). This variant has not been reported in the literature in individuals affected with VPS45-related conditions. ClinVar contains an entry for this variant (Variation ID: 1441445). Algorithms developed to predict the effect of missense changes on protein structure and function output the following: SIFT: "Tolerated"; PolyPhen-2: "Benign"; Align-GVGD: "Class C0". The threonine amino acid residue is found in multiple mammalian species, which suggests that this missense change does not adversely affect protein function. In summary, the available evidence is currently insufficient to determine the role of this variant in disease. Therefore, it has been classified as a Variant of Uncertain Significance.